The following is an entry in ClinVar:

NM_024665.7(TBL1XR1):c.40A>G (p.Arg14Gly)

Gene: TBL1XR1 (TBL1X/Y related 1; minus strand). Cytogenetic location: 3q26.32.
Variant type: single nucleotide variant.
Coding change: c.40A>G on transcript NM_024665.7 (MANE Select); coding-DNA position 40, A replaced by G.
Protein change: p.Arg14Gly; replaces arginine 14 with glycine.
Molecular consequence: missense variant. On other transcripts: intron variant (2).
Genome position (GRCh38, 1-based): chr3:177,064,938, T>C on the plus strand (A>G on the coding strand, the complement: TBL1XR1 is on the minus strand). VCF-style: chr3-177064938-T-C. GRCh37 (hg19) VCF-style: chr3-176782726-T-C.
Other names: c.40A>G, p.Arg14Gly (NM_001321193.3, NM_001321194.3, NM_001374327.1 and 2 more transcripts); c.-203-11020A>G (NM_001374330.1, NM_001321195.3); short protein forms R14G.
Identifiers: ClinVar variation 996874 (VCV000996874.2), dbSNP rs1718965342, ClinGen allele CA355554973.

ClinVar aggregate classification (germline): Uncertain significance. Review status: criteria provided, multiple submitters, no conflicts (2 of 4 stars). 3 submissions from 2 submitters: Uncertain significance (3). Last evaluated 2024-04-04.

Conditions:
Pierpont syndrome (PRPTS). Identifiers: Orphanet 487825, MedGen C1865644, MONDO:0011213, OMIM 602342.
Intellectual developmental disorder, autosomal dominant 41. Also called: Intellectual disability, autosomal dominant 41. Identifiers: Orphanet 2823, MedGen C4310784, MONDO:0014842, OMIM 616944.

Submissions (3):

Genomic Medicine Center of Excellence, King Faisal Specialist Hospital and Research Centre
Classification: Uncertain significance for Intellectual developmental disorder, autosomal dominant 41. Last evaluated: 2024-04-04. Review status: criteria provided, single submitter. Criteria: ACMG Guidelines, 2015. Collection method: clinical testing. Allele origin: germline.

New York Genome Center
Classification: Uncertain significance for Intellectual developmental disorder, autosomal dominant 41. Last evaluated: 2019-09-26. Review status: criteria provided, single submitter. Criteria: NYGC Assertion Criteria 2020. Collection method: clinical testing. Allele origin: germline. Inheritance: Autosomal dominant inheritance. Observed: 1 heterozygote. Study: CSER-NYCKidSeq.
Comment: The c.40A>G (p.Arg14Gly) variant identified in the TBL1XR1 gene subsitutes a completely conserved Arginine for Glycine at amino acid 14/515 (coding exon 3/16). This variant is absent from gnomAD and ExAC, suggesting it is not a common benign variant in the populations represented in these databases. In silico algorithms predict this variant is Deleterious (Provean; Score: -6.30) and Damaging (SIFT; score: 0.001) to the function of the canonical transcript. This variant is absent from ClinVar and to our current knowledge has never been reported in affected individuals in the litearature. The p.Arg14 residue is within the N-terminal LisH domain of the protein which is important for oligomerization and transcriptional repression, however to date the few reported pathogenic TBL1XR1 variants were outside of this domain. Given the lack of compelling evidence supporting its pathogenicity, the c.40A>G (p.Arg14Gly) variant identified in the TBL1XR1 gene it is reported here as a Variant of Uncertain Significance.

New York Genome Center
Classification: Uncertain significance for Pierpont syndrome. Last evaluated: 2019-09-26. Review status: criteria provided, single submitter. Criteria: NYGC Assertion Criteria 2020. Collection method: clinical testing. Allele origin: germline. Inheritance: Autosomal dominant inheritance. Observed: 1 heterozygote. Study: CSER-NYCKidSeq.
Comment: the same text as in the submission from New York Genome Center above.